The following is an entry in ClinVar:

NM_003922.4(HERC1):c.13372C>T (p.Arg4458Cys)

Gene: HERC1 (HECT and RLD domain containing E3 ubiquitin protein ligase family member 1; minus strand). Cytogenetic location: 15q22.31.
Variant type: single nucleotide variant.
Coding change: c.13372C>T on transcript NM_003922.4 (MANE Select); coding-DNA position 13372, C replaced by T.
Protein change: p.Arg4458Cys; replaces arginine 4458 with cysteine.
Molecular consequence: missense variant.
Genome position (GRCh38, 1-based): chr15:63,624,231, G>A on the plus strand (C>T on the coding strand, the complement: HERC1 is on the minus strand). VCF-style: chr15-63624231-G-A. GRCh37 (hg19) VCF-style: chr15-63916430-G-A.
Other names: short protein forms R4458C.
Identifiers: ClinVar variation 1916522 (VCV001916522.5), dbSNP rs770067924, ClinGen allele CA7603750.
Genomic context (GRCh38, chr15:63,624,231, plus strand): 5'-TCTTTACAGTTATCTGAGGTCCATAGTTTTTGCCTTGAACCATGGTTTTTCCTATGGAGC[G>A]CACCATTGGCAGAGTGTAGACTCTTGGGGCTAACAAAGGCCGAAGTTGTCCCTGTACAAT-3'
Protein context (NP_003913.3, residues 4448-4468): APRVYTLPMV[Arg4458Cys]SIGKTMVQGK

ClinVar aggregate classification (germline): Uncertain significance (1 of 4 stars; one submission).

Allele frequency attached by ClinVar (database versions not stated): TOPMed 0.00001; ExAC 0.00002.
gnomAD v4.1: 26 of 1,613,670 alleles (0.0016%); highest among the groups gnomAD compares: Non-Finnish European, 0.002%; no homozygotes.

Submission:

Labcorp Genetics (formerly Invitae), Labcorp
Classification: Uncertain significance. Last evaluated: 2022-02-08. Review status: criteria provided, single submitter. Criteria: Invitae Variant Classification Sherloc (09022015). Collection method: clinical testing. Allele origin: germline.
Comment: Algorithms developed to predict the effect of missense changes on protein structure and function (SIFT, PolyPhen-2, Align-GVGD) all suggest that this variant is likely to be disruptive. In summary, the available evidence is currently insufficient to determine the role of this variant in disease. Therefore, it has been classified as a Variant of Uncertain Significance. This variant has not been reported in the literature in individuals affected with HERC1-related conditions. This variant is present in population databases (rs770067924, gnomAD 0.004%). This sequence change replaces arginine, which is basic and polar, with cysteine, which is neutral and slightly polar, at codon 4458 of the HERC1 protein (p.Arg4458Cys).